The following is an entry in ClinVar:

NM_012108.4(STAP1):c.302T>C (p.Leu101Pro)

Genes: STAP1 (signal transducing adaptor family member 1; plus strand), LOC123477751 (Sharpr-MPRA regulatory region 12077; plus strand). Cytogenetic location: 4q13.2.
Variant type: single nucleotide variant.
Coding change: c.302T>C on transcript NM_012108.4 (MANE Select); coding-DNA position 302, T replaced by C.
Protein change: p.Leu101Pro; replaces leucine 101 with proline.
Molecular consequence: missense variant.
Genome position (GRCh38, 1-based): chr4:67,575,494, T>C. VCF-style: chr4-67575494-T-C. GRCh37 (hg19) VCF-style: chr4-68441212-T-C.
Other names: c.302T>C, p.Leu101Pro (NM_001317769.2); short protein forms L101P.
Identifiers: ClinVar variation 2448569 (VCV002448569.2), dbSNP rs1727700033, ClinGen allele CA357048335.
Genomic context (GRCh38, chr4:67,575,494, plus strand): 5'-ATTCAACTGAAAAGAACTGTGCGAAATTCACCCTTGTTTTGCCGAAAGAGGAAGTACAAC[T>C]GAAGGTGAGCGAGGAGAAACAGTAGTCTGTAAAGGGTTGTGGTTATAAATAACATTCTTC-3'
Protein context (NP_036240.1, residues 91-111): TLVLPKEEVQ[Leu101Pro]KTENTESGEE

ClinVar aggregate classification (germline): Uncertain significance (1 of 4 stars; one submission).

Allele frequency attached by ClinVar (database versions not stated): gnomAD exomes below 0.00001; gnomAD 0.00001.
gnomAD v4.1: 2 of 1,606,134 alleles (0.00012%); highest among the groups gnomAD compares: Non-Finnish European, 0.00017%; no homozygotes.

Submission:

Ambry Genetics
Classification: Uncertain significance. Last evaluated: 2022-11-27. Review status: criteria provided, single submitter. Criteria: Ambry Variant Classification Scheme 2023. Collection method: clinical testing. Allele origin: germline.
Comment: The p.L101P variant (also known as c.302T>C), located in coding exon 3 of the STAP1 gene, results from a T to C substitution at nucleotide position 302. The leucine at codon 101 is replaced by proline, an amino acid with similar properties. This amino acid position is conserved. In addition, the in silico prediction for this alteration is inconclusive. Since supporting evidence is limited at this time, the clinical significance of this alteration remains unclear.